The following is an entry in ClinVar:

ClinVar aggregate classification (germline): Benign/Likely benign. Review status: criteria provided, multiple submitters, no conflicts (2 of 4 stars). 2 submissions from 2 submitters: Benign (1); Likely benign (1). Last evaluated 2021-05-12.

Conditions:
Premature ovarian failure 6 (POF6). Identifiers: MedGen C2676742, MONDO:0012861, OMIM 612310.

Allele frequency attached by ClinVar (database versions not stated): gnomAD 0.00346 and 0.00356; TOPMed 0.00358; ESP Exome Variant Server 0.00373; 1000 Genomes Project 0.00539; 1000 Genomes Project 30x 0.00609.
gnomAD v4.1: 820 of 1,310,826 alleles (0.063%); highest among the groups gnomAD compares: African/African-American, 1.1%; 3 homozygotes.

Submissions (2):

GeneDx
Classification: Likely benign. Last evaluated: 2021-05-12. Review status: criteria provided, single submitter. Criteria: GeneDx Variant Classification Process June 2021. Collection method: clinical testing. Allele origin: germline. Affected: yes.
Comment: See Variant Classification Assertion Criteria.

Illumina Laboratory Services, Illumina
Classification: Benign for Premature ovarian failure 6. Last evaluated: 2018-01-12. Review status: criteria provided, single submitter. Criteria: ICSL Variant Classification Criteria 13 December 2019. Collection method: clinical testing. Allele origin: germline.
Comment: This variant was observed in the ICSL laboratory as part of a predisposition screen in an ostensibly healthy population. It had not been previously curated by ICSL or reported in the Human Gene Mutation Database (HGMD: prior to June 1st, 2018), and was therefore a candidate for classification through an automated scoring system. Utilizing variant allele frequency, disease prevalence and penetrance estimates, and inheritance mode, an automated score was calculated to assess if this variant is too frequent to cause the disease. Based on the score and internal cut-off values, a variant classified as benign is not then subjected to further curation. The score for this variant resulted in a classification of benign for this disease.

NM_001004311.3(FIGLA):c.*53A>C

Gene: FIGLA (folliculogenesis specific bHLH transcription factor; minus strand). Cytogenetic location: 2p13.3.
Variant type: single nucleotide variant.
Coding change: c.*53A>C on transcript NM_001004311.3 (MANE Select); 53 bases downstream of the stop codon, A replaced by C.
Molecular consequence: 3 prime UTR variant.
Genome position (GRCh38, 1-based): chr2:70,777,314, T>G on the plus strand (A>C on the coding strand, the complement: FIGLA is on the minus strand). VCF-style: chr2-70777314-T-G. GRCh37 (hg19) VCF-style: chr2-71004446-T-G.
Identifiers: ClinVar variation 336904 (VCV000336904.6), dbSNP rs150205874, ClinGen allele CA10613878.
Genomic context (GRCh38, chr2:70,777,314, plus strand): 5'-CTGGGTGATAAGAGTGAAACTCTATCTCAAAAAAAAAAAAAAAAGAGAGACTCCAAAACT[T>G]TCAAGACTGCATTTATTTGTCTCTAGAAGGTAACCCTGGGCCTTTTCATTTTTCATACTT-3'